The following is an entry in ClinVar:

NM_001271938.2(MEGF8):c.754A>G (p.Asn252Asp)

Gene: MEGF8 (multiple EGF like domains 8; plus strand). Cytogenetic location: 19q13.2.
Variant type: single nucleotide variant.
Coding change: c.754A>G on transcript NM_001271938.2 (MANE Select); coding-DNA position 754, A replaced by G.
Protein change: p.Asn252Asp; replaces asparagine 252 with aspartic acid.
Molecular consequence: missense variant.
Genome position (GRCh38, 1-based): chr19:42,335,311, A>G. VCF-style: chr19-42335311-A-G. GRCh37 (hg19) VCF-style: chr19-42839463-A-G.
Other names: c.754A>G, p.Asn252Asp (NM_001410.3); short protein forms N252D.
Identifiers: ClinVar variation 1021349 (VCV001021349.8), dbSNP rs769584545, ClinGen allele CA308621360.
Genomic context (GRCh38, chr19:42,335,311, plus strand): 5'-CCCGGCAGCCTATGGCCAGGGCATGAGACTATCCACCCCTCCACAGGCCAGGACCTCAAC[A>G]ATGCCCTGGGTGACCTCGTCCTATACAACTTCTCCGCCAACACCTGGGAGTCTTGGGACC-3'
Protein context (NP_001258867.1, residues 242-262): LAVFGGQDLN[Asn252Asp]ALGDLVLYNF

ClinVar aggregate classification (germline): Uncertain significance (1 of 4 stars; one submission).

Conditions:
MEGF8-related Carpenter syndrome. Also called: Carpenter syndrome 2. Identifiers: Orphanet 65759, MedGen C3554247, MONDO:0013998, OMIM 614976.

Allele frequency attached by ClinVar (database versions not stated): TOPMed below 0.00001; gnomAD 0.00001; gnomAD exomes 0.00001.
gnomAD v4.1: 12 of 1,613,812 alleles (0.00074%); highest among the groups gnomAD compares: Non-Finnish European, 0.001%; no homozygotes.

Submission:

Labcorp Genetics (formerly Invitae), Labcorp
Classification: Uncertain significance for MEGF8-related Carpenter syndrome. Last evaluated: 2020-09-08. Review status: criteria provided, single submitter. Criteria: Invitae Variant Classification Sherloc (09022015). Collection method: clinical testing. Allele origin: germline.
Comment: Algorithms developed to predict the effect of missense changes on protein structure and function are either unavailable or do not agree on the potential impact of this missense change (SIFT: "Deleterious"; PolyPhen-2: "Benign"; Align-GVGD: "Class C0"). This variant has not been reported in the literature in individuals with MEGF8-related conditions. This variant is not present in population databases (ExAC no frequency). This sequence change replaces asparagine with aspartic acid at codon 252 of the MEGF8 protein (p.Asn252Asp). The asparagine residue is weakly conserved and there is a small physicochemical difference between asparagine and aspartic acid. In summary, the available evidence is currently insufficient to determine the role of this variant in disease. Therefore, it has been classified as a Variant of Uncertain Significance.